The following is an entry in ClinVar:

ClinVar aggregate classification (germline): Conflicting classifications of pathogenicity. Review status: criteria provided, conflicting classifications (1 of 4 stars). 3 submissions from 3 submitters: Uncertain significance (2); Likely benign (1). Last evaluated 2023-11-01.

Conditions:
Luscan-Lumish syndrome. Identifiers: Orphanet 597738, MedGen C4085873, MONDO:0014791, OMIM 616831.

Allele frequency attached by ClinVar (database versions not stated): gnomAD exomes 0.00002 and 0.00004; ExAC 0.00003; gnomAD 0.00003 and 0.00004; TOPMed 0.00004; ESP Exome Variant Server 0.00008.
gnomAD v4.1: 35 of 1,614,110 alleles (0.0022%); highest among the groups gnomAD compares: Middle Eastern, 0.016%; no homozygotes.

Submissions (3):

CeGaT Center for Human Genetics Tuebingen
Classification: Likely benign. Last evaluated: 2023-11-01. Review status: criteria provided, single submitter. Criteria: CeGaT Center For Human Genetics Tuebingen Variant Classification Criteria Version 2. Collection method: clinical testing. Allele origin: germline. Affected: yes. Observed: 1 variant allele.
Comment: SETD2: BP4

Labcorp Genetics (formerly Invitae), Labcorp
Classification: Uncertain significance for Luscan-Lumish syndrome. Last evaluated: 2021-08-26. Review status: criteria provided, single submitter. Criteria: Invitae Variant Classification Sherloc (09022015). Collection method: clinical testing. Allele origin: germline.
Comment: This sequence change replaces arginine with histidine at codon 950 of the SETD2 protein (p.Arg950His). The arginine residue is weakly conserved and there is a small physicochemical difference between arginine and histidine. This variant is present in population databases (rs149265978, ExAC 0.01%). This variant has not been reported in the literature in individuals affected with SETD2-related conditions. Algorithms developed to predict the effect of missense changes on protein structure and function output the following: SIFT: "Tolerated"; PolyPhen-2: "Benign"; Align-GVGD: "Class C0". The histidine amino acid residue is found in multiple mammalian species, which suggests that this missense change does not adversely affect protein function. In summary, the available evidence is currently insufficient to determine the role of this variant in disease. Therefore, it has been classified as a Variant of Uncertain Significance.

Revvity Omics, Revvity
Classification: Uncertain significance. Last evaluated: 2020-04-23. Review status: criteria provided, single submitter. Criteria: ACMG Guidelines, 2015. Collection method: clinical testing. Allele origin: germline.

NM_014159.7(SETD2):c.2849G>A (p.Arg950His)

Gene: SETD2 (SET domain containing 2, histone lysine methyltransferase; minus strand). Cytogenetic location: 3p21.31.
Variant type: single nucleotide variant.
Coding change: c.2849G>A on transcript NM_014159.7 (MANE Select); coding-DNA position 2849, G replaced by A.
Protein change: p.Arg950His; replaces arginine 950 with histidine.
Molecular consequence: missense variant. On other transcripts: non-coding transcript variant (1).
Genome position (GRCh38, 1-based): chr3:47,121,787, C>T on the plus strand (G>A on the coding strand, the complement: SETD2 is on the minus strand). VCF-style: chr3-47121787-C-T. GRCh37 (hg19) VCF-style: chr3-47163277-C-T.
Other names: c.2717G>A, p.Arg906His (NM_001349370.3); c.2849G>A (NM_014159.6); short protein forms R950H, R906H.
Identifiers: ClinVar variation 1041536 (VCV001041536.28), dbSNP rs149265978, ClinGen allele CA2363474.